The following is an entry in ClinVar:

ClinVar aggregate classification (germline): Pathogenic/Likely pathogenic. Review status: criteria provided, multiple submitters, no conflicts (2 of 4 stars). 2 submissions from 2 submitters: Pathogenic (1); Likely pathogenic (1). Last evaluated 2022-06-10.

Conditions:
Camptomelic dysplasia (CMPD). Also called: CMPD1/SRA1; Campomelic Dysplasia. Identifiers: Orphanet 140, MedGen C1861922, MONDO:0007251, OMIM 114290.

Submissions (2):

Labcorp Genetics (formerly Invitae), Labcorp
Classification: Pathogenic for Camptomelic dysplasia. Last evaluated: 2022-06-10. Review status: criteria provided, single submitter. Criteria: Invitae Variant Classification Sherloc (09022015). Collection method: clinical testing. Allele origin: germline.
Comment: ClinVar contains an entry for this variant (Variation ID: 489071). For these reasons, this variant has been classified as Pathogenic. This variant disrupts a region of the SOX9 protein in which other variant(s) (p.Arg394*) have been determined to be pathogenic (PMID: 31389106; Invitae). This suggests that this is a clinically significant region of the protein, and that variants that disrupt it are likely to be disease-causing. This variant has not been reported in the literature in individuals affected with SOX9-related conditions. This variant is not present in population databases (gnomAD no frequency). This sequence change creates a premature translational stop signal (p.Gln340*) in the SOX9 gene. While this is not anticipated to result in nonsense mediated decay, it is expected to disrupt the last 170 amino acid(s) of the SOX9 protein.

GeneDx
Classification: Likely pathogenic. Last evaluated: 2017-10-13. Review status: criteria provided, single submitter. Criteria: GeneDx Variant Classification (06012015). Collection method: clinical testing. Allele origin: germline. Affected: yes.
Comment: The Q340X nonsense variant in the SOX9 gene is predicted to cause loss of normal protein function through protein truncation as the last 170 amnio acids are deleted. The Q340X variant is not observed in large population cohorts (Lek et al., 2016). Although this pathogenic variant has not been reported previously to our knowledge, its presence is consistent with a diagnosis of campomelic dysplasia

Literature cited by the submitters: PubMed 31389106 (cited by Labcorp Genetics (formerly Invitae), Labcorp).

NM_000346.4(SOX9):c.1018C>T (p.Gln340Ter)

Gene: SOX9 (SRY-box transcription factor 9; plus strand). Cytogenetic location: 17q24.3.
Variant type: single nucleotide variant.
Coding change: c.1018C>T on transcript NM_000346.4 (MANE Select); coding-DNA position 1018, C replaced by T.
Protein change: p.Gln340Ter; replaces glutamine 340 with a stop codon.
Molecular consequence: nonsense.
Genome position (GRCh38, 1-based): chr17:72,123,875, C>T. VCF-style: chr17-72123875-C-T. GRCh37 (hg19) VCF-style: chr17-70120016-C-T.
Other names: short protein forms Q340*.
Identifiers: ClinVar variation 489071 (VCV000489071.7), dbSNP rs1339655148, ClinGen allele CA400867544.